The following is an entry in ClinVar:

ClinVar aggregate classification (germline): Likely benign (0 of 4 stars; one submission).

Conditions:
ZNF512B-related disorder. Also called: ZNF512B-related condition.

Allele frequency attached by ClinVar (database versions not stated): gnomAD 0.00033; 1000 Genomes Project 0.00240; 1000 Genomes Project 30x 0.00265.
gnomAD v4.1: 251 of 1,614,152 alleles (0.016%); highest among the groups gnomAD compares: East Asian, 0.49%; 1 homozygote.

Submission:

PreventionGenetics, part of Exact Sciences
Classification: Likely benign for ZNF512B-related condition. Last evaluated: 2019-03-29. Review status: no assertion criteria provided. Collection method: clinical testing. Allele origin: germline.
Comment: This variant is classified as likely benign based on ACMG/AMP sequence variant interpretation guidelines (Richards et al. 2015 PMID: 25741868, with internal and published modifications).

NM_020713.3(ZNF512B):c.675C>T (p.Thr225=)

Gene: ZNF512B (zinc finger protein 512B; minus strand). Cytogenetic location: 20q13.33.
Variant type: single nucleotide variant.
Coding change: c.675C>T on transcript NM_020713.3 (MANE Select); coding-DNA position 675, C replaced by T.
Protein change: p.Thr225=; no amino-acid change (threonine 225 retained).
Molecular consequence: synonymous variant.
Genome position (GRCh38, 1-based): chr20:63,966,500, G>A on the plus strand (C>T on the coding strand, the complement: ZNF512B is on the minus strand). VCF-style: chr20-63966500-G-A. GRCh37 (hg19) VCF-style: chr20-62597853-G-A.
Identifiers: ClinVar variation 3045047 (VCV003045047.2), dbSNP rs201493940, ClinGen allele CA9971365.
Genomic context (GRCh38, chr20:63,966,500, plus strand): 5'-GGGCCTGCTGACTGTGACAGGTTTGGTGACTGGCACGGGCCTAGTGACCGGGATGGCCTT[G>A]GTGACTGGCATGGGTCTGCCGACCGAGACTGGCTTGCTGATGCCAATGGGTTTGCTGACA-3'
Protein context (NP_065764.1, residues 215-235): PVSVGRPMPV[Thr225=]KAIPVTRPVP